The following is an entry in ClinVar:

ClinVar aggregate classification (germline): Conflicting classifications of pathogenicity. Review status: criteria provided, conflicting classifications (1 of 4 stars). 5 submissions from 5 submitters: Uncertain significance (3); Likely benign (2). Last evaluated 2026-06-12.

Conditions:
Polyps, multiple and recurrent inflammatory fibroid, gastrointestinal. Identifiers: MedGen C5193005, MONDO:0008285, OMIM 175510.
Hereditary cancer-predisposing syndrome. Also called: Neoplastic Syndromes, Hereditary; Tumor predisposition; Hereditary neoplastic syndrome; Hereditary Cancer Syndrome. Identifiers: Orphanet 140162, MedGen C0027672, MeSH D009386, MONDO:0015356.
Gastrointestinal stromal tumor. Also called: Gastrointestinal stromal tumor, somatic; Gastrointestinal stroma tumor. Identifiers: Orphanet 44890, MedGen C0238198, MeSH D046152, MONDO:0011719, OMIM 606764, HP:0100723.

Allele frequency attached by ClinVar (database versions not stated): gnomAD 0.00001; ExAC 0.00002; gnomAD exomes 0.00002 and 0.00003; TOPMed 0.00003.

Submissions (5):

Myriad Genetics, Inc.
Classification: Likely benign for Polyps, multiple and recurrent inflammatory fibroid, gastrointestinal. Last evaluated: 2026-06-12. Review status: criteria provided, single submitter. Criteria: Myriad Autosomal Dominant, Autosomal Recessive and X-Linked Classification Criteria (2023). Collection method: clinical testing. Allele origin: unknown.
Comment: This variant is considered likely benign. This variant has been observed at a population frequency that is significantly greater than expected given the associated disease prevalence and penetrance.

Labcorp Genetics (formerly Invitae), Labcorp
Classification: Uncertain significance for Gastrointestinal stromal tumor. Last evaluated: 2026-01-15. Review status: criteria provided, single submitter. Criteria: Invitae Variant Classification Sherloc (09022015). Collection method: clinical testing. Allele origin: germline.
Comment: This sequence change replaces threonine, which is neutral and polar, with methionine, which is neutral and non-polar, at codon 432 of the PDGFRA protein (p.Thr432Met). This variant is present in population databases (rs750809787, gnomAD 0.01%). This missense change has been observed in individual(s) with PDGFRA-related conditions (PMID: 35034853). ClinVar contains an entry for this variant (Variation ID: 458995). Invitae Evidence Modeling of protein sequence and biophysical properties (such as structural, functional, and spatial information, amino acid conservation, physicochemical variation, residue mobility, and thermodynamic stability) indicates that this missense variant is not expected to disrupt PDGFRA protein function with a negative predictive value of 80%. In summary, the available evidence is currently insufficient to determine the role of this variant in disease. Therefore, it has been classified as a Variant of Uncertain Significance.

GeneDx
Classification: Uncertain significance. Last evaluated: 2025-03-17. Review status: criteria provided, single submitter. Criteria: GeneDx Variant Classification Process June 2021. Collection method: clinical testing. Allele origin: germline.
Comment: In silico analysis indicates that this missense variant does not alter protein structure/function; Observed in an individual with ocular coloboma (PMID: 35034853); This variant is associated with the following publications: (PMID: 35034853)

Ambry Genetics
Classification: Likely benign for Hereditary cancer-predisposing syndrome. Last evaluated: 2024-08-20. Review status: criteria provided, single submitter. Criteria: Ambry Variant Classification Scheme 2023. Collection method: clinical testing. Allele origin: germline.

Baylor Genetics
Classification: Uncertain significance for Gastrointestinal stromal tumor. Last evaluated: 2019-11-19. Review status: criteria provided, single submitter. Criteria: ACMG Guidelines, 2015. Collection method: clinical testing. Allele origin: unknown. Affected: yes. Study: CSER-TexasKidsCanSeq.
Comment: This variant was determined to be of uncertain significance according to ACMG Guidelines, 2015 [PMID:25741868].

Literature cited by the submitters: PubMed 35034853 (cited by Labcorp Genetics (formerly Invitae), Labcorp).

NM_006206.6(PDGFRA):c.1295C>T (p.Thr432Met)

Gene: PDGFRA (platelet derived growth factor receptor alpha; plus strand). Cytogenetic location: 4q12.
Variant type: single nucleotide variant.
Coding change: c.1295C>T on transcript NM_006206.6 (MANE Select); coding-DNA position 1295, C replaced by T.
Protein change: p.Thr432Met; replaces threonine 432 with methionine.
Molecular consequence: missense variant.
Genome position (GRCh38, 1-based): chr4:54,272,451, C>T. VCF-style: chr4-54272451-C-T. GRCh37 (hg19) VCF-style: chr4-55138618-C-T.
Other names: c.1295C>T, p.Thr432Met (NM_001347827.2, NM_001347829.2); c.1370C>T, p.Thr457Met (NM_001347828.2); c.1334C>T, p.Thr445Met (NM_001347830.2); short protein forms T432M, T457M, T445M.
Identifiers: ClinVar variation 458995 (VCV000458995.20), dbSNP rs750809787, ClinGen allele CA2922516.